The following is an entry in ClinVar:

ClinVar aggregate classification (germline): Uncertain significance. Review status: criteria provided, multiple submitters, no conflicts (2 of 4 stars). 2 submissions from 2 submitters: Uncertain significance (2). Last evaluated 2024-10-12.

Conditions:
Inborn genetic diseases. Identifiers: MedGen C0950123, MeSH D030342.

Allele frequency attached by ClinVar (database versions not stated): ExAC 0.00001; TOPMed 0.00002; gnomAD 0.00003.

Submissions (2):

Ambry Genetics
Classification: Uncertain significance for Inborn genetic diseases. Last evaluated: 2024-10-12. Review status: criteria provided, single submitter. Criteria: Ambry Variant Classification Scheme 2023. Collection method: clinical testing. Allele origin: germline.

Labcorp Genetics (formerly Invitae), Labcorp
Classification: Uncertain significance. Last evaluated: 2022-03-27. Review status: criteria provided, single submitter. Criteria: Invitae Variant Classification Sherloc (09022015). Collection method: clinical testing. Allele origin: germline.
Comment: This sequence change replaces proline, which is neutral and non-polar, with alanine, which is neutral and non-polar, at codon 179 of the ASNS protein (p.Pro179Ala). This variant is present in population databases (rs751156234, gnomAD 0.004%). This variant has not been reported in the literature in individuals affected with ASNS-related conditions. Algorithms developed to predict the effect of missense changes on protein structure and function (SIFT, PolyPhen-2, Align-GVGD) all suggest that this variant is likely to be tolerated. In summary, the available evidence is currently insufficient to determine the role of this variant in disease. Therefore, it has been classified as a Variant of Uncertain Significance.

NM_001673.5(ASNS):c.535C>G (p.Pro179Ala)

Genes: ASNS (asparagine synthetase (glutamine-hydrolyzing); minus strand), CZ1P-ASNS (CZ1P-ASNS readthrough; minus strand). Cytogenetic location: 7q21.3.
Variant type: single nucleotide variant.
Coding change: c.535C>G on transcript NM_001673.5 (MANE Select); coding-DNA position 535, C replaced by G.
Protein change: p.Pro179Ala; replaces proline 179 with alanine.
Molecular consequence: missense variant. On other transcripts: non-coding transcript variant (1).
Genome position (GRCh38, 1-based): chr7:97,859,351, G>C on the plus strand (C>G on the coding strand, the complement: ASNS is on the minus strand). VCF-style: chr7-97859351-G-C. GRCh37 (hg19) VCF-style: chr7-97488663-G-C.
Other names: c.472C>G, p.Pro158Ala (NM_001178075.2); c.286C>G, p.Pro96Ala (NM_001178076.2, NM_001178077.1); c.535C>G, p.Pro179Ala (NM_001352496.2, NM_133436.3, NM_183356.4); short protein forms P96A, P158A, P179A.
Identifiers: ClinVar variation 2152619 (VCV002152619.2), dbSNP rs751156234, ClinGen allele CA4354747.